The following is an entry in ClinVar:

NM_002474.3(MYH11):c.4076A>C (p.Lys1359Thr)

Genes: NDE1 (nudE neurodevelopment protein 1; plus strand), MYH11 (myosin heavy chain 11; minus strand). Cytogenetic location: 16p13.11.
Variant type: single nucleotide variant.
Coding change: c.4076A>C on transcript NM_002474.3 (MANE Select); coding-DNA position 4076, A replaced by C.
Protein change: p.Lys1359Thr; replaces lysine 1359 with threonine.
Molecular consequence: missense variant. On other transcripts: 3 prime UTR variant (2).
Genome position (GRCh38, 1-based): chr16:15,724,687, T>G on the plus strand (A>C on the coding strand, the complement: MYH11 is on the minus strand). VCF-style: chr16-15724687-T-G. GRCh37 (hg19) VCF-style: chr16-15818544-T-G.
Other names: c.4097A>C, p.Lys1366Thr (NM_001040113.2, NM_001040114.2); c.4076A>C, p.Lys1359Thr (NM_022844.3); c.*436T>G (NM_001143979.2, NM_017668.3); short protein forms K1359T, K1366T.
Identifiers: ClinVar variation 3387187 (VCV003387187.2).

ClinVar aggregate classification (germline): Uncertain significance. Review status: criteria provided, multiple submitters, no conflicts (2 of 4 stars). 2 submissions from 2 submitters: Uncertain significance (2). Last evaluated 2025-08-11.

Conditions:
Aortic aneurysm, familial thoracic 4 (AAT4). Also called: AORTIC ANEURYSM/AORTIC DISSECTION AND PATENT DUCTUS ARTERIOSUS. Identifiers: MedGen C1851504, MONDO:0007568, OMIM 132900.
Familial thoracic aortic aneurysm and aortic dissection (TAAD). Also called: Thoracic aortic aneurysms and dissections. Identifiers: Orphanet 91387, MedGen C4707243, MONDO:0019625.

Submissions (2):

Labcorp Genetics (formerly Invitae), Labcorp
Classification: Uncertain significance for Aortic aneurysm, familial thoracic 4. Last evaluated: 2025-08-11. Review status: criteria provided, single submitter. Criteria: Invitae Variant Classification Sherloc (09022015). Collection method: clinical testing. Allele origin: germline.
Comment: This sequence change replaces lysine, which is basic and polar, with threonine, which is neutral and polar, at codon 1366 of the MYH11 protein (p.Lys1366Thr). This variant is not present in population databases (gnomAD no frequency). This variant has not been reported in the literature in individuals affected with MYH11-related conditions. ClinVar contains an entry for this variant (Variation ID: 3387187). Invitae Evidence Modeling of protein sequence and biophysical properties (such as structural, functional, and spatial information, amino acid conservation, physicochemical variation, residue mobility, and thermodynamic stability) indicates that this missense variant is not expected to disrupt MYH11 protein function with a negative predictive value of 80%. In summary, the available evidence is currently insufficient to determine the role of this variant in disease. Therefore, it has been classified as a Variant of Uncertain Significance.

All of Us Research Program, National Institutes of Health
Classification: Uncertain significance for Familial thoracic aortic aneurysm and aortic dissection. Last evaluated: 2024-05-30. Review status: criteria provided, single submitter. Criteria: ACMG Guidelines, 2015. Collection method: clinical testing. Allele origin: germline. Inheritance: Autosomal dominant inheritance. Observed: 1 variant allele, 1 heterozygote.
Comment: This missense variant replaces lysine with threonine at codon 1366 of the MYH11 protein. Computational prediction is inconclusive regarding the impact of this variant on protein structure and function (internally defined REVEL score threshold 0.5 < inconclusive < 0.7, PMID: 27666373). To our knowledge, functional studies have not been reported for this variant. This variant has not been reported in individuals affected with MYH11-related disorders in the literature. This variant has not been identified in the general population by the Genome Aggregation Database (gnomAD). The available evidence is insufficient to determine the role of this variant in disease conclusively. Therefore, this variant is classified as a Variant of Uncertain Significance.

This study involves interpretation of variants in research participants for the purpose of population health screening. Participant phenotype was not available at the time of variant classification. Additional details can be found in publication PMID: 35346344, PMCID: PMC8962531